The following is an entry in ClinVar:

ClinVar aggregate classification (germline): Uncertain significance (1 of 4 stars; one submission).

gnomAD v4.1: 3 of 1,613,900 alleles (0.00019%); highest among the groups gnomAD compares: Non-Finnish European, 0.00025%; no homozygotes.

Submission:

GeneDx
Classification: Uncertain significance. Last evaluated: 2025-07-23. Review status: criteria provided, single submitter. Criteria: GeneDx Variant Classification Process June 2021. Collection method: clinical testing. Allele origin: germline. Affected: yes.
Comment: Not observed at significant frequency in large population cohorts (gnomAD); In silico analysis supports that this missense variant has a deleterious effect on protein structure/function; Has not been previously published as pathogenic or benign to our knowledge; Not located in one of the three hot-spot regions of the RYR2 gene, where the majority of pathogenic missense variants occur (PMID: 19926015); This variant is associated with the following publications: (PMID: 19926015)

NM_001035.3(RYR2):c.7870C>T (p.Pro2624Ser)

Gene: RYR2 (ryanodine receptor 2; plus strand). Cytogenetic location: 1q43.
Variant type: single nucleotide variant.
Coding change: c.7870C>T on transcript NM_001035.3 (MANE Select); coding-DNA position 7870, C replaced by T.
Protein change: p.Pro2624Ser; replaces proline 2624 with serine.
Molecular consequence: missense variant.
Genome position (GRCh38, 1-based): chr1:237,654,319, C>T. VCF-style: chr1-237654319-C-T. GRCh37 (hg19) VCF-style: chr1-237817619-C-T.
Other names: short protein forms P2624S.
Identifiers: ClinVar variation 4686887 (VCV004686887.1).